The following is an entry in ClinVar:

ClinVar aggregate classification (germline): Uncertain significance (1 of 4 stars; one submission).

Submission:

GeneDx
Classification: Uncertain significance. Last evaluated: 2025-07-17. Review status: criteria provided, single submitter. Criteria: GeneDx Variant Classification Process June 2021. Collection method: clinical testing. Allele origin: germline. Affected: yes.
Comment: Not observed at significant frequency in large population cohorts (gnomAD); In silico analysis suggests that this missense variant does not alter protein structure/function; Has not been previously published as pathogenic or benign to our knowledge; Variants in candidate genes are classified as variants of uncertain significance in accordance with ACMG guidelines (PMID: 25741868)

NM_001873.4(CPE):c.353C>T (p.Ala118Val)

Gene: CPE (carboxypeptidase E; plus strand). Cytogenetic location: 4q32.3.
Variant type: single nucleotide variant.
Coding change: c.353C>T on transcript NM_001873.4 (MANE Select); coding-DNA position 353, C replaced by T.
Protein change: p.Ala118Val; replaces alanine 118 with valine.
Molecular consequence: missense variant.
Genome position (GRCh38, 1-based): chr4:165,464,435, C>T. VCF-style: chr4-165464435-C-T. GRCh37 (hg19) VCF-style: chr4-166385587-C-T.
Other names: short protein forms A118V.
Identifiers: ClinVar variation 4686534 (VCV004686534.1).